The following is an entry in ClinVar:

ClinVar aggregate classification (germline): Uncertain significance. Review status: criteria provided, multiple submitters, no conflicts (2 of 4 stars). 2 submissions from 2 submitters: Uncertain significance (2). Last evaluated 2025-01-15.

Conditions:
Inborn genetic diseases. Identifiers: MedGen C0950123, MeSH D030342.

Allele frequency attached by ClinVar (database versions not stated): gnomAD 0.00016; ExAC 0.00017; TOPMed 0.00020; ESP Exome Variant Server 0.00033.
gnomAD v4.1: 536 of 1,614,078 alleles (0.033%); highest among the groups gnomAD compares: Non-Finnish European, 0.043%; no homozygotes.

Submissions (2):

Ambry Genetics
Classification: Uncertain significance for Inborn genetic diseases. Last evaluated: 2025-01-15. Review status: criteria provided, single submitter. Criteria: Ambry Variant Classification Scheme 2023. Collection method: clinical testing. Allele origin: germline.

GeneDx
Classification: Uncertain significance. Last evaluated: 2024-07-01. Review status: criteria provided, single submitter. Criteria: GeneDx Variant Classification Process June 2021. Collection method: clinical testing. Allele origin: germline.
Comment: In silico analysis indicates that this missense variant does not alter protein structure/function; Has not been previously published as pathogenic or benign to our knowledge

NM_015114.3(ANKLE2):c.1418A>G (p.Lys473Arg)

Gene: ANKLE2 (ankyrin repeat and LEM domain containing 2; minus strand). Cytogenetic location: 12q24.33.
Variant type: single nucleotide variant.
Coding change: c.1418A>G on transcript NM_015114.3 (MANE Select); coding-DNA position 1418, A replaced by G.
Protein change: p.Lys473Arg; replaces lysine 473 with arginine.
Molecular consequence: missense variant.
Genome position (GRCh38, 1-based): chr12:132,741,421, T>C on the plus strand (A>G on the coding strand, the complement: ANKLE2 is on the minus strand). VCF-style: chr12-132741421-T-C. GRCh37 (hg19) VCF-style: chr12-133318007-T-C.
Other names: c.1418A>G (NM_015114.1); short protein forms K473R.
Identifiers: ClinVar variation 2502763 (VCV002502763.3), dbSNP rs200479549, ClinGen allele CA6895634.